The following is an entry in ClinVar:

NM_000069.3(CACNA1S):c.185T>C (p.Phe62Ser)

Gene: CACNA1S (calcium voltage-gated channel subunit alpha1 S; minus strand). Cytogenetic location: 1q32.1.
Variant type: single nucleotide variant.
Coding change: c.185T>C on transcript NM_000069.3 (MANE Select); coding-DNA position 185, T replaced by C.
Protein change: p.Phe62Ser; replaces phenylalanine 62 with serine.
Molecular consequence: missense variant.
Genome position (GRCh38, 1-based): chr1:201,110,237, A>G on the plus strand (T>C on the coding strand, the complement: CACNA1S is on the minus strand). VCF-style: chr1-201110237-A-G. GRCh37 (hg19) VCF-style: chr1-201079365-A-G.
Other names: short protein forms F62S.
Identifiers: ClinVar variation 2637477 (VCV002637477.1), dbSNP rs2464691872, ClinGen allele CA344156132.

ClinVar aggregate classification (germline): Uncertain significance (1 of 4 stars; one submission).

Submission:

Women's Health and Genetics/Laboratory Corporation of America, LabCorp
Classification: Uncertain significance. Last evaluated: 2023-10-26. Review status: criteria provided, single submitter. Criteria: LabCorp Variant Classification Summary - May 2015. Collection method: clinical testing. Allele origin: germline.
Comment: Variant summary: CACNA1S c.185T>C (p.Phe62Ser) results in a non-conservative amino acid change located in the Ion transport domain (IPR005821) of the encoded protein sequence. Four of five in-silico tools predict a damaging effect of the variant on protein function. The variant was absent in 251462 control chromosomes (gnomAD). The available data on variant occurrences in the general population are insufficient to allow any conclusion about variant significance. To our knowledge, no occurrence of c.185T>C in individuals affected with Hypokalemic Periodic Paralysis and no experimental evidence demonstrating its impact on protein function have been reported. No submitters have cited clinical-significance assessments for this variant to ClinVar after 2014. Based on the evidence outlined above, the variant was classified as uncertain significance.